The following is an entry in ClinVar:

NM_207122.2(EXT2):c.1234C>T (p.Gln412Ter)

Gene: EXT2 (exostosin glycosyltransferase 2; plus strand). Cytogenetic location: 11p11.2.
Variant type: single nucleotide variant.
Coding change: c.1234C>T on transcript NM_207122.2 (MANE Select); coding-DNA position 1234, C replaced by T.
Protein change: p.Gln412Ter; replaces glutamine 412 with a stop codon.
Molecular consequence: nonsense. On other transcripts: intron variant (1).
Genome position (GRCh38, 1-based): chr11:44,171,671, C>T. VCF-style: chr11-44171671-C-T. GRCh37 (hg19) VCF-style: chr11-44193221-C-T.
Other names: c.1333C>T, p.Gln445Ter (NM_000401.3); c.1267-3C>T (NM_001178083.3); short protein forms Q412*, Q445*.
Identifiers: ClinVar variation 1073638 (VCV001073638.12), dbSNP rs1448103584, ClinGen allele CA380175369.

ClinVar aggregate classification (germline): Pathogenic. Review status: criteria provided, multiple submitters, no conflicts (2 of 4 stars). 2 submissions from 2 submitters: Pathogenic (2). Last evaluated 2024-08-14.

Conditions:
Exostoses, multiple, type 2 (EXT2). Also called: Hereditary Multiple Osteochondromatosis, Type II; EXOSTOSES, MULTIPLE, TYPE II. Identifiers: Orphanet 321, MedGen C1851413, MONDO:0007586, OMIM 133701.

Submissions (2):

GeneDx
Classification: Pathogenic. Last evaluated: 2024-08-14. Review status: criteria provided, single submitter. Criteria: GeneDx Variant Classification Process June 2021. Collection method: clinical testing. Allele origin: germline. Affected: yes.
Comment: Identified in a patient with multiple osteochondromas in published literature (PMID: 10480354, 36360300); Nonsense variant predicted to result in protein truncation or nonsense mediated decay in a gene for which loss of function is a known mechanism of disease; Not observed at significant frequency in large population cohorts (gnomAD); This variant is associated with the following publications: (PMID: 25525159, 36360300, 10480354)

Labcorp Genetics (formerly Invitae), Labcorp
Classification: Pathogenic for Exostoses, multiple, type 2. Last evaluated: 2022-04-28. Review status: criteria provided, single submitter. Criteria: Invitae Variant Classification Sherloc (09022015). Collection method: clinical testing. Allele origin: germline.
Comment: This premature translational stop signal has been observed in individual(s) with hereditary multiple exostoses (PMID: 10480354). This variant is not present in population databases (gnomAD no frequency). This sequence change creates a premature translational stop signal (p.Gln412*) in the EXT2 gene. It is expected to result in an absent or disrupted protein product. Loss-of-function variants in EXT2 are known to be pathogenic (PMID: 10679937, 19810120). For these reasons, this variant has been classified as Pathogenic. ClinVar contains an entry for this variant (Variation ID: 1073638).

Literature cited by the submitters: PubMed 10480354 (cited by Labcorp Genetics (formerly Invitae), Labcorp); PubMed 10679937 (cited by Labcorp Genetics (formerly Invitae), Labcorp); PubMed 19810120 (cited by Labcorp Genetics (formerly Invitae), Labcorp).